The following is an entry in ClinVar:

NM_000179.3(MSH6):c.458-20A>G

Gene: MSH6 (mutS homolog 6; plus strand). Cytogenetic location: 2p16.3.
Variant type: single nucleotide variant.
Coding change: c.458-20A>G on transcript NM_000179.3 (MANE Select); 20 bases into the intron before coding-DNA position 458, A replaced by G.
Molecular consequence: intron variant.
Genome position (GRCh38, 1-based): chr2:47,795,874, A>G. VCF-style: chr2-47795874-A-G. GRCh37 (hg19) VCF-style: chr2-48023013-A-G.
Other names: c.-279-2737A>G (NM_001281493.2); c.238-2737A>G (NM_001281492.2); c.-445-20A>G (NM_001281494.2).
Identifiers: ClinVar variation 1427750 (VCV001427750.9), dbSNP rs2104226897, ClinGen allele CA2573134894.

ClinVar aggregate classification (germline): Likely benign. Review status: criteria provided, multiple submitters, no conflicts (2 of 4 stars). 2 submissions from 2 submitters: Likely benign (2). Last evaluated 2024-12-18.

Conditions:
Lynch syndrome 5 (LYNCH5). Also called: Hereditary non-polyposis colorectal cancer, type 5; Colorectal cancer, hereditary nonpolyposis, type 5. Identifiers: Orphanet 144, MedGen C1833477, MONDO:0013710, OMIM 614350. Disease mechanism: loss of function.
Hereditary nonpolyposis colorectal neoplasms. Identifiers: MedGen C0009405, MeSH D003123.

Submissions (2):

Myriad Genetics, Inc.
Classification: Likely benign for Lynch syndrome 5. Last evaluated: 2024-12-18. Review status: criteria provided, single submitter. Criteria: Myriad Autosomal Dominant, Autosomal Recessive and X-Linked Classification Criteria (2023). Collection method: clinical testing. Allele origin: unknown.
Comment: This variant is considered likely benign. This variant is intronic and is not expected to impact mRNA splicing.

Labcorp Genetics (formerly Invitae), Labcorp
Classification: Likely benign for Hereditary nonpolyposis colorectal neoplasms. Last evaluated: 2024-07-06. Review status: criteria provided, single submitter. Criteria: Invitae Variant Classification Sherloc (09022015). Collection method: clinical testing. Allele origin: germline.